The following is an entry in ClinVar:

ClinVar aggregate classification (germline): Uncertain significance. Review status: criteria provided, multiple submitters, no conflicts (2 of 4 stars). 5 submissions from 5 submitters: Uncertain significance (4). 1 of the submissions does not count toward it. Last evaluated 2025-07-29.

Conditions:
Bardet-Biedl syndrome (BBS). Identifiers: Orphanet 110, MedGen C0752166, MONDO:0015229.
BBS10-related disorder. Also called: BBS10-related condition.
Inborn genetic diseases. Identifiers: MedGen C0950123, MeSH D030342.

Allele frequency attached by ClinVar (database versions not stated): ExAC 0.00002; ESP Exome Variant Server 0.00016.
gnomAD v4.1: 81 of 1,610,350 alleles (0.005%); highest among the groups gnomAD compares: Non-Finnish European, 0.0065%; no homozygotes.

Submissions (5):

GeneDx
Classification: Uncertain significance. Last evaluated: 2025-07-29. Review status: criteria provided, single submitter. Criteria: GeneDx Variant Classification Process June 2021. Collection method: clinical testing. Allele origin: germline. Affected: yes.
Comment: In silico analysis supports that this missense variant has a deleterious effect on protein structure/function; Has not been previously published as pathogenic or benign to our knowledge

Blueprint Genetics
Classification: Uncertain significance. Last evaluated: 2024-07-08. Review status: criteria provided, single submitter. Criteria: ACMG Guidelines, 2015. Collection method: clinical testing. Allele origin: germline.

Labcorp Genetics (formerly Invitae), Labcorp
Classification: Uncertain significance for Bardet-Biedl syndrome. Last evaluated: 2024-05-05. Review status: criteria provided, single submitter. Criteria: Invitae Variant Classification Sherloc (09022015). Collection method: clinical testing. Allele origin: germline.
Comment: This sequence change replaces proline, which is neutral and non-polar, with alanine, which is neutral and non-polar, at codon 63 of the BBS10 protein (p.Pro63Ala). This variant is present in population databases (rs371540031, gnomAD 0.005%). This variant has not been reported in the literature in individuals affected with BBS10-related conditions. ClinVar contains an entry for this variant (Variation ID: 2143639). Advanced modeling of protein sequence and biophysical properties (such as structural, functional, and spatial information, amino acid conservation, physicochemical variation, residue mobility, and thermodynamic stability) performed at Invitae indicates that this missense variant is expected to disrupt BBS10 protein function with a positive predictive value of 80%. In summary, the available evidence is currently insufficient to determine the role of this variant in disease. Therefore, it has been classified as a Variant of Uncertain Significance.

Ambry Genetics
Classification: Uncertain significance for Inborn genetic diseases. Last evaluated: 2022-09-28. Review status: criteria provided, single submitter. Criteria: Ambry Variant Classification Scheme 2023. Collection method: clinical testing. Allele origin: germline.

PreventionGenetics, part of Exact Sciences
Classification: Uncertain significance for BBS10-related condition. Last evaluated: 2024-04-17. Review status: no assertion criteria provided. Collection method: clinical testing. Allele origin: germline. Not counted in ClinVar's aggregate classification.
Comment: The BBS10 c.187C>G variant is predicted to result in the amino acid substitution p.Pro63Ala. To our knowledge, this variant has not been reported in the literature. This variant is reported in 0.0045% of alleles in individuals of European (Non-Finnish) descent in gnomAD. At this time, the clinical significance of this variant is uncertain due to the absence of conclusive functional and genetic evidence.

NM_024685.4(BBS10):c.187C>G (p.Pro63Ala)

Gene: BBS10 (Bardet-Biedl syndrome 10; minus strand). Cytogenetic location: 12q21.2.
Variant type: single nucleotide variant.
Coding change: c.187C>G on transcript NM_024685.4 (MANE Select); coding-DNA position 187, C replaced by G.
Protein change: p.Pro63Ala; replaces proline 63 with alanine.
Molecular consequence: missense variant.
Genome position (GRCh38, 1-based): chr12:76,348,172, G>C on the plus strand (C>G on the coding strand, the complement: BBS10 is on the minus strand). VCF-style: chr12-76348172-G-C. GRCh37 (hg19) VCF-style: chr12-76741952-G-C.
Other names: c.187C>G (NM_024685.3); short protein forms P63A.
Identifiers: ClinVar variation 2143639 (VCV002143639.6), dbSNP rs371540031, ClinGen allele CA6694415.